The following is an entry in ClinVar:

NM_001370466.1(NOD2):c.1309G>T (p.Gly437Trp)

Gene: NOD2 (nucleotide binding oligomerization domain containing 2; plus strand). Cytogenetic location: 16q12.1.
Variant type: single nucleotide variant.
Coding change: c.1309G>T on transcript NM_001370466.1 (MANE Select); coding-DNA position 1309, G replaced by T.
Protein change: p.Gly437Trp; replaces glycine 437 with tryptophan.
Molecular consequence: missense variant. On other transcripts: non-coding transcript variant (1).
Genome position (GRCh38, 1-based): chr16:50,711,301, G>T. VCF-style: chr16-50711301-G-T. GRCh37 (hg19) VCF-style: chr16-50745212-G-T.
Other names: c.1390G>T (LRG_177t1); c.1309G>T, p.Gly437Trp (NM_001293557.2); c.1390G>T, p.Gly464Trp (NM_022162.3); short protein forms G464W, G437W.
Identifiers: ClinVar variation 97829 (VCV000097829.13), dbSNP rs104895492, ClinGen allele CA150202.

ClinVar aggregate classification (germline): Uncertain significance. Review status: criteria provided, multiple submitters, no conflicts (2 of 4 stars). 3 submissions from 3 submitters: Uncertain significance (2). 1 of the submissions does not count toward it. Last evaluated 2025-08-24.

Conditions:
Autoinflammatory syndrome. Identifiers: Orphanet 93665, MedGen C3890737, MONDO:0019751.
Blau syndrome (BLAUS). Also called: ARTHROCUTANEOUVEAL GRANULOMATOSIS; GRANULOMATOSIS, FAMILIAL JUVENILE SYSTEMIC; GRANULOMATOSIS, FAMILIAL, BLAU TYPE; GRANULOMATOUS INFLAMMATORY ARTHRITIS, DERMATITIS, AND UVEITIS, FAMILIAL; JABS SYNDROME. Identifiers: Orphanet 90340, MedGen C5201146, MONDO:0008523, OMIM 186580.
Regional enteritis. Also called: Enteritis, Granulomatous. Identifiers: MedGen C0678202, MeSH D003424.

gnomAD v4.1: 74 of 1,613,546 alleles (0.0046%); highest among the groups gnomAD compares: South Asian, 0.07%; no homozygotes.

Submissions (3):

Labcorp Genetics (formerly Invitae), Labcorp
Classification: Uncertain significance for Regional enteritis; Blau syndrome. Last evaluated: 2025-08-24. Review status: criteria provided, single submitter. Criteria: Invitae Variant Classification Sherloc (09022015). Collection method: clinical testing. Allele origin: germline.
Comment: This sequence change replaces glycine, which is neutral and non-polar, with tryptophan, which is neutral and slightly polar, at codon 464 of the NOD2 protein (p.Gly464Trp). This variant is present in population databases (rs104895492, gnomAD 0.08%), and has an allele count higher than expected for a pathogenic variant. This missense change has been observed in individual(s) with atypical Blau syndrome with Takayasu-like arteritis and cardiomyopathy (PMID: 22859352, 25416713). ClinVar contains an entry for this variant (Variation ID: 97829). Invitae Evidence Modeling of protein sequence and biophysical properties (such as structural, functional, and spatial information, amino acid conservation, physicochemical variation, residue mobility, and thermodynamic stability) has been performed for this missense variant. However, the output from this modeling did not meet the statistical confidence thresholds required to predict the impact of this variant on NOD2 protein function. Experimental studies have shown that this missense change affects NOD2 function (PMID: 25093298). In summary, the available evidence is currently insufficient to determine the role of this variant in disease. Therefore, it has been classified as a Variant of Uncertain Significance.

Genome Diagnostics Laboratory, The Hospital for Sick Children
Classification: Uncertain significance for Autoinflammatory syndrome. Last evaluated: 2020-11-06. Review status: criteria provided, single submitter. Criteria: ACMG Guidelines, 2015. Collection method: clinical testing. Allele origin: germline. Affected: yes.

Unité médicale des maladies autoinflammatoires, CHRU Montpellier
No classification provided. Condition: Sarcoidosis, early-onset. Review status: no classification provided. Collection method: not provided. Allele origin: unknown. Not counted in ClinVar's aggregate classification.
Comment: also involved in OMIM 186580 and 266600

Literature cited by the submitters: PubMed 22859352 (cited by Labcorp Genetics (formerly Invitae), Labcorp); PubMed 25416713 (cited by Labcorp Genetics (formerly Invitae), Labcorp); PubMed 25093298 (cited by Labcorp Genetics (formerly Invitae), Labcorp).